The following is an entry in ClinVar:

ClinVar aggregate classification (germline): Uncertain significance. Review status: criteria provided, multiple submitters, no conflicts (2 of 4 stars). 2 submissions from 2 submitters: Uncertain significance (2). Last evaluated 2024-02-22.

Conditions:
Inborn genetic diseases. Identifiers: MedGen C0950123, MeSH D030342.

gnomAD v4.1: 1 of 1,613,836 alleles (0.000062%); highest among the groups gnomAD compares: South Asian, 0.0011%; no homozygotes.

Submissions (2):

Labcorp Genetics (formerly Invitae), Labcorp
Classification: Uncertain significance. Last evaluated: 2024-02-22. Review status: criteria provided, single submitter. Criteria: Invitae Variant Classification Sherloc (09022015). Collection method: clinical testing. Allele origin: germline.
Comment: This sequence change replaces glutamine, which is neutral and polar, with arginine, which is basic and polar, at codon 34 of the EMC1 protein (p.Gln34Arg). This variant is not present in population databases (gnomAD no frequency). This variant has not been reported in the literature in individuals affected with EMC1-related conditions. ClinVar contains an entry for this variant (Variation ID: 1486526). Advanced modeling of protein sequence and biophysical properties (such as structural, functional, and spatial information, amino acid conservation, physicochemical variation, residue mobility, and thermodynamic stability) performed at Invitae indicates that this missense variant is not expected to disrupt EMC1 protein function with a negative predictive value of 80%. In summary, the available evidence is currently insufficient to determine the role of this variant in disease. Therefore, it has been classified as a Variant of Uncertain Significance.

Ambry Genetics
Classification: Uncertain significance for Inborn genetic diseases. Last evaluated: 2023-11-03. Review status: criteria provided, single submitter. Criteria: Ambry Variant Classification Scheme 2023. Collection method: clinical testing. Allele origin: germline.

NM_015047.3(EMC1):c.101A>G (p.Gln34Arg)

Gene: EMC1 (ER membrane protein complex subunit 1; minus strand). Cytogenetic location: 1p36.13.
Variant type: single nucleotide variant.
Coding change: c.101A>G on transcript NM_015047.3 (MANE Select); coding-DNA position 101, A replaced by G.
Protein change: p.Gln34Arg; replaces glutamine 34 with arginine.
Molecular consequence: missense variant.
Genome position (GRCh38, 1-based): chr1:19,245,025, T>C on the plus strand (A>G on the coding strand, the complement: EMC1 is on the minus strand). VCF-style: chr1-19245025-T-C. GRCh37 (hg19) VCF-style: chr1-19571519-T-C.
Other names: c.101A>G (NM_015047.1); c.101A>G, p.Gln34Arg (NM_001271427.2, NM_001271428.2, NM_001271429.2 and 2 more transcripts); short protein forms Q34R.
Identifiers: ClinVar variation 1486526 (VCV001486526.9), dbSNP rs2151963886, ClinGen allele CA338774262.
Genomic context (GRCh38, chr1:19,245,025, plus strand): 5'-AACTTCTTGGATCCAGGGGAAAATTCCAAGGAGGCAAACTTGACCTTCCCAACATATTGC[T>C]GTCTCCTGAGAAAAAAAGAGTACAGGGGACCATAAGGAGCTAAAATCACCATTCCACAAA-3'
Protein context (NP_055862.1, residues 24-44): EDQVGKFDWR[Gln34Arg]QYVGKVKFAS